The following is an entry in ClinVar:

NC_012920.1(MT-ATP8):m.8382C>T

Gene: MT-ATP8 (mitochondrially encoded ATP synthase 8; plus strand).
Variant type: single nucleotide variant.
Genome position: chrM-8382-C-T.
Identifiers: ClinVar variation 445618 (VCV000445618.3), dbSNP rs1556423437, ClinGen allele CA414795864.

ClinVar aggregate classification (germline): Uncertain significance. Review status: criteria provided, multiple submitters, no conflicts (2 of 4 stars). 2 submissions from 2 submitters: Uncertain significance (2). Last evaluated 2019-10-17.

Conditions:
Leigh syndrome (NULS). Also called: LEIGH SYNDROME, NUCLEAR; Leigh's necrotizing encephalopathy; Leigh's disease; Leigh Syndrome (mtDNA deletion); Leigh's syndrome; Leigh Disease. Identifiers: Orphanet 506, MedGen C2931891, MONDO:0009723, OMIM 256000.

Submissions (2):

Wong Mito Lab, Molecular and Human Genetics, Baylor College of Medicine
Classification: Uncertain significance for Leigh syndrome. Last evaluated: 2019-10-17. Review status: criteria provided, single submitter. Criteria: Modified ACMG Guidelines (Unpublished). Collection method: clinical testing. Allele origin: germline.
Comment: The NC_012920.1:m.8382C>T (YP_003024030.1:p.Thr6Ile) variant in MTATP8 gene is interpretated to be a Uncertain Significance variant based on the modified ACMG guidelines (unpublished). This variant meets the following evidence codes: PP6

Center for Pediatric Genomic Medicine, Children's Mercy Hospital and Clinics
Classification: Uncertain significance. Last evaluated: 2017-05-30. Review status: criteria provided, single submitter. Criteria: ACMG Guidelines, 2015. Collection method: clinical testing. Allele origin: germline.